The following is an entry in ClinVar:

ClinVar aggregate classification (germline): Uncertain significance (1 of 4 stars; one submission).

Conditions:
Hereditary breast ovarian cancer syndrome. Also called: Hereditary breast and ovarian cancer; BRCA1- and BRCA2-Associated Hereditary Breast and Ovarian Cancer; Hereditary breast and ovarian cancer syndrome; Hereditary breast and ovarian cancer syndrome (HBOC); Breast and ovarian cancer; Hereditary breast and/or ovarian cancer syndrome. Identifiers: Orphanet 145, MedGen C0677776, MeSH D061325, MONDO:0003582. Disease mechanism: loss of function.

Submission:

Labcorp Genetics (formerly Invitae), Labcorp
Classification: Uncertain significance for Hereditary breast ovarian cancer syndrome. Last evaluated: 2023-02-09. Review status: criteria provided, single submitter. Criteria: Invitae Variant Classification Sherloc (09022015). Collection method: clinical testing. Allele origin: germline.
Comment: This sequence change replaces serine, which is neutral and polar, with alanine, which is neutral and non-polar, at codon 547 of the BRCA2 protein (p.Ser547Ala). This variant is not present in population databases (gnomAD no frequency). This variant has not been reported in the literature in individuals affected with BRCA2-related conditions. Advanced modeling of protein sequence and biophysical properties (such as structural, functional, and spatial information, amino acid conservation, physicochemical variation, residue mobility, and thermodynamic stability) performed at Invitae indicates that this missense variant is not expected to disrupt BRCA2 protein function. In summary, the available evidence is currently insufficient to determine the role of this variant in disease. Therefore, it has been classified as a Variant of Uncertain Significance.

NM_000059.4(BRCA2):c.1639T>G (p.Ser547Ala)

Gene: BRCA2 (BRCA2 DNA repair associated; plus strand). Cytogenetic location: 13q13.1.
Variant type: single nucleotide variant.
Coding change: c.1639T>G on transcript NM_000059.4 (MANE Select); coding-DNA position 1639, T replaced by G.
Protein change: p.Ser547Ala; replaces serine 547 with alanine.
Molecular consequence: missense variant. On other transcripts: non-coding transcript variant (1), intron variant (1).
Genome position (GRCh38, 1-based): chr13:32,333,117, T>G. VCF-style: chr13-32333117-T-G. GRCh37 (hg19) VCF-style: chr13-32907254-T-G.
Other names: c.1639T>G, p.Ser547Ala (NM_001406719.1, NM_001406720.1, NM_001406721.1); c.424+2087T>G (NM_001406722.1); short protein forms S547A.
Identifiers: ClinVar variation 2832859 (VCV002832859.3), dbSNP rs1593893412, ClinGen allele CA387764957.